The following continues an entry in ClinVar:

NM_000492.4(CFTR):c.489+1G>T

Gene: CFTR. ClinVar aggregate classification (germline): Pathogenic. Pathogenic (1).

Submissions 12 to 31 of 36:

Ambry Genetics
Classification: Pathogenic for Cystic fibrosis. Last evaluated: 2024-12-30. Review status: criteria provided, single submitter. Criteria: Ambry Variant Classification Scheme 2023. Collection method: clinical testing. Allele origin: germline. Not counted in ClinVar's aggregate classification.
Comment: The c.489+1G>T intronic pathogenic mutation (also known as 621+1G>T) results from a G to T substitution one nucleotide after coding exon 4 of the CFTR gene. Alterations that disrupt the canonical splice site are expected to result in aberrant splicing. In silico splice site analysis predicts that this alteration will weaken the native splice donor site. The resulting transcript is predicted to be in-frame and is not expected to trigger nonsense-mediated mRNA decay. Analysis of mRNA isolated from nasal epithelial cells of one proband showed that the mutation results in skipping of partial and full exon 4, leading to in-frame transcripts (Zielenski J et al. Hum. Mol. Genet., 1993 Jun;2:683-7). The exact functional effect of the altered amino acid sequence is unknown; however, the impacted region is critical for protein function (Ambry internal data). This mutation has been described in the homozygous state in 5 individuals with pancreatic insufficient cystic fibrosis (CF) (De Braekeleer M et al. J. Med. Genet., 1997 Sep;34:788-9) and has also been identified in a compound heterozygous state with another CFTR mutation in individuals with CF (Zielenski J et al. Hum. Mol. Genet., 1993 Jun;2:683-7; Petrova NV et al. Genes (Basel) 2020 05;11(5)). In addition, this mutation is associated with elevated sweat chloride levels and pancreatic insufficiency (Sosnay PR et al. Nat. Genet., 2013 Oct;45:1160-7). Based on the supporting evidence, this alteration is interpreted as a disease-causing mutation.

Blueprint Genetics
Classification: Pathogenic for CFTR-related disorders. Last evaluated: 2024-10-23. Review status: criteria provided, single submitter. Criteria: ACMG Guidelines, 2015. Collection method: clinical testing. Allele origin: germline. Affected: yes. Observed: 5 variant alleles. Not counted in ClinVar's aggregate classification.

CeGaT Center for Human Genetics Tuebingen
Classification: Pathogenic. Last evaluated: 2024-08-01. Review status: criteria provided, single submitter. Criteria: CeGaT Center For Human Genetics Tuebingen Variant Classification Criteria Version 2. Collection method: clinical testing. Allele origin: germline. Affected: yes. Observed: 1 variant allele. Not counted in ClinVar's aggregate classification.
Comment: CFTR: PM3:Very Strong, PVS1:Strong, PM2

Women's Health and Genetics/Laboratory Corporation of America, LabCorp
Classification: Pathogenic for Cystic fibrosis. Last evaluated: 2024-07-05. Review status: criteria provided, single submitter. Criteria: LabCorp Variant Classification Summary - May 2015. Collection method: clinical testing. Allele origin: germline. Not counted in ClinVar's aggregate classification.
Comment: Variant summary: CFTR c.489+1G>T is located in a canonical splice-site and is predicted to affect mRNA splicing resulting in a significantly altered protein due to either exon skipping, shortening, or inclusion of intronic material. Several computational tools predict a significant impact on normal splicing: Four predict the variant abolishes the canonical 5' splicing donor site. At least one publication reports experimental evidence that this variant affects mRNA splicing by exon skipping (Aissat_2013). The variant allele was found at a frequency of 7.7e-05 in 245706 control chromosomes. c.489+1G>has been detected in hundreds of CF patients in the literature and is a known common disease causing mutation (example, Sosnay_2013, McKone_2003).These data indicate that the variant is very likely to be associated with disease. The following publications have been ascertained in the context of this evaluation (PMID: 12767731, 23974870, 23420618). ClinVar contains an entry for this variant (Variation ID: 38799). Based on the evidence outlined above, the variant was classified as pathogenic.

Baylor Genetics
Classification: Pathogenic for Bronchiectasis with or without elevated sweat chloride 1. Last evaluated: 2024-03-16. Review status: criteria provided, single submitter. Criteria: ACMG Guidelines, 2015. Collection method: clinical testing. Allele origin: unknown. Not counted in ClinVar's aggregate classification.

Fulgent Genetics
Classification: Pathogenic for Hereditary pancreatitis; Bronchiectasis with or without elevated sweat chloride 1; Cystic fibrosis; Congenital bilateral aplasia of vas deferens from CFTR mutation. Last evaluated: 2024-03-10. Review status: criteria provided, single submitter. Criteria: ACMG Guidelines, 2015. Collection method: clinical testing. Allele origin: germline. Not counted in ClinVar's aggregate classification.

Laboratory of Medical Genetics, National & Kapodistrian University of Athens
Classification: Pathogenic for Cystic fibrosis. Last evaluated: 2024-02-01. Review status: criteria provided, single submitter. Criteria: ACMG Guidelines, 2015. Collection method: curation. Allele origin: germline. Affected: no. Not counted in ClinVar's aggregate classification.

Quest Diagnostics Nichols Institute San Juan Capistrano
Classification: Pathogenic. Last evaluated: 2023-08-21. Review status: criteria provided, single submitter. Criteria: Quest Diagnostics criteria. Collection method: clinical testing. Allele origin: unknown. Not counted in ClinVar's aggregate classification.
Comment: The CFTR c.489+1G>T variant disrupts a canonical splice-donor site and interferes with normal CFTR mRNA splicing. This variant has been reported in the published literature along with other CF variants in individuals with cystic fibrosis and is often associated with pancreatic insufficiency (PMID: 1710599 (1991), 9321772 (1997), 9618063 (1998), 23974870 (2013), 32429104 (2020)). This variant has also been reported in individuals with congenital bilateral absence of the vas deferens (CBAVD) (PMID: 16840743 (2006), 22020151 (2012), CFTR-France). This variant is shown to result in alternative splicing producing two aberrantly spliced transcripts (PMID: 21097845 (2011)). The frequency of this variant in the general population, 0.00014 (18/125670 chromosomes (Genome Aggregation Database)), is uninformative in the assessment of its pathogenicity. Based on the available information, this variant is classified as pathogenic.

Mayo Clinic Laboratories, Mayo Clinic
Classification: Pathogenic. Last evaluated: 2023-08-16. Review status: criteria provided, single submitter. Criteria: ACMG Guidelines, 2015. Collection method: clinical testing. Allele origin: germline. Not counted in ClinVar's aggregate classification.

MGZ Medical Genetics Center
Classification: Pathogenic for Hereditary pancreatitis. Last evaluated: 2022-07-28. Review status: criteria provided, single submitter. Criteria: ACMG Guidelines, 2015. Collection method: clinical testing. Allele origin: germline. Affected: yes. Observed: 1 variant allele. Not counted in ClinVar's aggregate classification.
Comment: ACMG criteria applied: PVS1, PS4_MOD, PM3, PM2_SUP

Revvity Omics, Revvity
Classification: Pathogenic. Last evaluated: 2021-12-06. Review status: criteria provided, single submitter. Criteria: ACMG Guidelines, 2015. Collection method: clinical testing. Allele origin: germline. Not counted in ClinVar's aggregate classification.

Myriad Genetics, Inc.
Classification: Pathogenic for Cystic fibrosis. Last evaluated: 2019-11-12. Review status: criteria provided, single submitter. Criteria: Myriad Women's Health Autosomal Recessive and X-Linked Classification Criteria (2019). Collection method: clinical testing. Allele origin: unknown. Not counted in ClinVar's aggregate classification.
Comment: NM_000492.3(CFTR):c.489+1G>T(aka 621+1G>T) is classified as pathogenic in the context of cystic fibrosis and is associated with the classic form of disease. Sources cited for classification include the following: PMID 23974870. Classification of NM_000492.3(CFTR):c.489+1G>T(aka 621+1G>T) is based on the following criteria: The variant is located at a canonical splice site, is expected to disrupt gene function and is reported in individuals with the relevant phenotype. Please note: this variant was assessed in the context of healthy population screening.

Genome Diagnostics Laboratory, The Hospital for Sick Children
Classification: Pathogenic for Cystic fibrosis. Last evaluated: 2019-08-28. Review status: criteria provided, single submitter. Criteria: ACMG Guidelines, 2015. Collection method: clinical testing. Allele origin: germline. Not counted in ClinVar's aggregate classification.

Mendelics
Classification: Pathogenic for Cystic fibrosis. Last evaluated: 2018-11-05. Review status: criteria provided, single submitter. Criteria: Mendelics Assertion Criteria 2017. Collection method: clinical testing. Allele origin: unknown. Affected: yes. Not counted in ClinVar's aggregate classification.

GeneDx
Classification: Pathogenic. Last evaluated: 2018-05-07. Review status: criteria provided, single submitter. Criteria: GeneDx Variant Classification (06012015). Collection method: clinical testing. Allele origin: germline. Affected: yes. Not counted in ClinVar's aggregate classification.
Comment: The c.489+1G>T (also reported as 621+1G>T) splice site variant is a well-described pathogenic variant reported in association with cystic fibrosis and other CFTR-related disorders (for examples see Zielenski et al., 1991; Amato et al., 2012, Wilschanski et al., 2006). This pathogenic variant destroys the canonical splice donor site in intron 4 results in abnormal gene splicing (Castellani et al., 2008). We interpret c.489+1G>T as a pathogenic variant.

CFTR-France
Classification: Pathogenic for cystic fibrosis. Last evaluated: 2018-01-29. Review status: criteria provided, single submitter. Criteria: Claustres M et al. (Hum Mutat 2017). Collection method: curation. Allele origin: germline. Affected: yes. Not counted in ClinVar's aggregate classification.

HudsonAlpha Institute for Biotechnology
Classification: Pathogenic for Cystic fibrosis. Last evaluated: 2016-05-12. Review status: criteria provided, single submitter. Criteria: HA_assertions_20150911. Collection method: research. Allele origin: unknown. Observed: 1 variant allele. Study: CSER-HudsonAlpha. Not counted in ClinVar's aggregate classification.

Eurofins Ntd Llc (ga)
Classification: Pathogenic. Last evaluated: 2015-07-16. Review status: criteria provided, single submitter. Criteria: EGL Classification Definitions 2015. Collection method: clinical testing. Allele origin: germline. Observed: 3 variant alleles, 3 heterozygotes. Not counted in ClinVar's aggregate classification.

Courtagen Diagnostics Laboratory, Courtagen Life Sciences
Classification: Pathogenic for Cystic fibrosis. Last evaluated: 2014-10-15. Review status: criteria provided, single submitter. Criteria: Courtagen Life Sciences Classifications. Collection method: clinical testing. Allele origin: maternal. Not counted in ClinVar's aggregate classification.

Baylor Genetics
Classification: Pathogenic for Congenital bilateral aplasia of vas deferens from CFTR mutation; Cystic fibrosis. Review status: criteria provided, single submitter. Criteria: ACMG Guidelines, 2015. Collection method: clinical testing. Allele origin: germline. Not counted in ClinVar's aggregate classification.